The following is an entry in ClinVar:

NM_001127208.3(TET2):c.3037C>T (p.Pro1013Ser)

Genes: TET2 (tet methylcytosine dioxygenase 2; plus strand), TET2-AS1 (TET2 antisense RNA 1; minus strand). Cytogenetic location: 4q24.
Variant type: single nucleotide variant.
Coding change: c.3037C>T on transcript NM_001127208.3 (MANE Select); coding-DNA position 3037, C replaced by T.
Protein change: p.Pro1013Ser; replaces proline 1013 with serine.
Molecular consequence: missense variant.
Genome position (GRCh38, 1-based): chr4:105,236,979, C>T. VCF-style: chr4-105236979-C-T. GRCh37 (hg19) VCF-style: chr4-106158136-C-T.
Other names: c.3037C>T, p.Pro1013Ser (NM_017628.4); short protein forms P1013S.
Identifiers: ClinVar variation 4827269 (VCV004827269.1).

ClinVar aggregate classification (germline): Uncertain significance (1 of 4 stars; one submission).

gnomAD v4.1: 2 of 1,614,122 alleles (0.00012%); highest among the groups gnomAD compares: Non-Finnish European, 0.00017%; no homozygotes.

Submission:

Ambry Genetics
Classification: Uncertain significance. Last evaluated: 2026-03-14. Review status: criteria provided, single submitter. Criteria: Ambry Variant Classification Scheme 2023. Collection method: clinical testing. Allele origin: germline.
Comment: The p.P1013S variant (also known as c.3037C>T), located in coding exon 1 of the TET2 gene, results from a C to T substitution at nucleotide position 3037. The proline at codon 1013 is replaced by serine, an amino acid with similar properties. This amino acid position is conserved. In addition, this alteration is predicted to be tolerated by in silico analysis. Based on the available evidence, the clinical significance of this variant remains unclear.